The following is an entry in ClinVar:

ClinVar aggregate classification (germline): Conflicting classifications of pathogenicity. Review status: criteria provided, conflicting classifications (1 of 4 stars). 8 submissions from 8 submitters: Uncertain significance (5); Likely benign (1). 2 of the submissions do not count toward it. Last evaluated 2024-11-07.

Conditions:
Hereditary cancer-predisposing syndrome. Also called: Neoplastic Syndromes, Hereditary; Hereditary neoplastic syndrome; Tumor predisposition; Hereditary Cancer Syndrome. Identifiers: Orphanet 140162, MedGen C0027672, MeSH D009386, MONDO:0015356.
Hereditary breast ovarian cancer syndrome. Also called: Hereditary breast and/or ovarian cancer syndrome; Breast and ovarian cancer; BRCA1- and BRCA2-Associated Hereditary Breast and Ovarian Cancer; Hereditary breast and ovarian cancer; Hereditary breast and ovarian cancer syndrome; Hereditary breast and ovarian cancer syndrome (HBOC). Identifiers: Orphanet 145, MedGen C0677776, MeSH D061325, MONDO:0003582. Disease mechanism: loss of function.
Breast-ovarian cancer, familial, susceptibility to, 2 (BROVCA2). Also called: BRCA2 Hereditary Breast and Ovarian Cancer. Identifiers: Orphanet 145, MedGen C2675520, MONDO:0012933, OMIM 612555. Disease mechanism: loss of function.

Submissions (8):

Labcorp Genetics (formerly Invitae), Labcorp
Classification: Uncertain significance for Hereditary breast ovarian cancer syndrome. Last evaluated: 2024-11-07. Review status: criteria provided, single submitter. Criteria: Invitae Variant Classification Sherloc (09022015). Collection method: clinical testing. Allele origin: germline.
Comment: This sequence change replaces asparagine, which is neutral and polar, with lysine, which is basic and polar, at codon 2189 of the BRCA2 protein (p.Asn2189Lys). This variant is not present in population databases (gnomAD no frequency). This missense change has been observed in individual(s) with breast and/or ovarian cancer (PMID: 34284872). ClinVar contains an entry for this variant (Variation ID: 38054). Invitae Evidence Modeling of protein sequence and biophysical properties (such as structural, functional, and spatial information, amino acid conservation, physicochemical variation, residue mobility, and thermodynamic stability) indicates that this missense variant is not expected to disrupt BRCA2 protein function with a negative predictive value of 95%. In summary, the available evidence is currently insufficient to determine the role of this variant in disease. Therefore, it has been classified as a Variant of Uncertain Significance.

Ambry Genetics
Classification: Uncertain significance for Hereditary cancer-predisposing syndrome. Last evaluated: 2024-09-06. Review status: criteria provided, single submitter. Criteria: Ambry Variant Classification Scheme 2023. Collection method: clinical testing. Allele origin: germline.
Comment: The p.N2189K variant (also known as c.6567C>G), located in coding exon 10 of the BRCA2 gene, results from a C to G substitution at nucleotide position 6567. The asparagine at codon 2189 is replaced by lysine, an amino acid with similar properties. This amino acid position is not well conserved in available vertebrate species. In addition, this alteration is predicted to be tolerated by in silico analysis. Based on the available evidence, the clinical significance of this variant remains unclear.

Blueprint Genetics
Classification: Uncertain significance. Last evaluated: 2024-04-04. Review status: criteria provided, single submitter. Criteria: ACMG Guidelines, 2015. Collection method: clinical testing. Allele origin: germline.

Color Diagnostics, LLC DBA Color Health
Classification: Uncertain significance for Hereditary cancer-predisposing syndrome. Last evaluated: 2023-12-05. Review status: criteria provided, single submitter. Criteria: ACMG Guidelines, 2015. Collection method: clinical testing. Allele origin: germline.
Comment: This missense variant replaces asparagine with lysine at codon 2189 of the BRCA2 protein. Computational prediction suggests that this variant may not impact protein structure and function. To our knowledge, functional studies have not been reported for this variant. This variant has not been reported in individuals affected with BRCA2-related disorders in the literature. This variant has not been identified in the general population by the Genome Aggregation Database (gnomAD). The available evidence is insufficient to determine the role of this variant in disease conclusively. Therefore, this variant is classified as a Variant of Uncertain Significance.

University of Washington Department of Laboratory Medicine, University of Washington
Classification: Likely benign for Hereditary cancer-predisposing syndrome. Last evaluated: 2023-03-23. Review status: criteria provided, single submitter. Criteria: Dines et al. (Genet Med. 2020). Collection method: curation. Allele origin: germline.
Comment: Missense variant in a coldspot region where missense variants are very unlikely to be pathogenic (PMID:31911673).

BRCA2 exon 11 coldspot. Reclassification based on statistical prior probability.

GeneDx
Classification: Uncertain significance. Last evaluated: 2020-02-24. Review status: criteria provided, single submitter. Criteria: GeneDx Variant Classification Process June 2021. Collection method: clinical testing. Allele origin: germline. Affected: yes.
Comment: Not observed in large population cohorts (Lek 2016); In silico analysis supports that this missense variant does not alter protein structure/function; Has not been previously published as pathogenic or benign to our knowledge; Also known as 6795C>G

Counsyl
Classification: Uncertain significance for Breast-ovarian cancer, familial, susceptibility to, 2. Last evaluated: 2016-07-29. Review status: no assertion criteria provided. Collection method: clinical testing. Allele origin: unknown. Not counted in ClinVar's aggregate classification.

Sharing Clinical Reports Project (SCRP)
Classification: Uncertain significance for Breast-ovarian cancer, familial 2. Last evaluated: 2009-10-28. Review status: no assertion criteria provided. Collection method: clinical testing. Allele origin: germline. Not counted in ClinVar's aggregate classification.

Literature cited by the submitters: PubMed 34284872 (cited by Labcorp Genetics (formerly Invitae), Labcorp).

NM_000059.4(BRCA2):c.6567C>G (p.Asn2189Lys)

Gene: BRCA2 (BRCA2 DNA repair associated; plus strand). Cytogenetic location: 13q13.1.
Variant type: single nucleotide variant.
Coding change: c.6567C>G on transcript NM_000059.4 (MANE Select); coding-DNA position 6567, C replaced by G.
Protein change: p.Asn2189Lys; replaces asparagine 2189 with lysine.
Molecular consequence: missense variant.
Genome position (GRCh38, 1-based): chr13:32,340,922, C>G. VCF-style: chr13-32340922-C-G. GRCh37 (hg19) VCF-style: chr13-32915059-C-G.
Other names: 6795C>G; short protein forms N2189K.
Identifiers: ClinVar variation 38054 (VCV000038054.22), dbSNP rs397507374, ClinGen allele CA024178.